The following is an entry in ClinVar:

NM_001354604.2(MITF):c.681C>T (p.Ile227=)

Gene: MITF (melanocyte inducing transcription factor; plus strand). Cytogenetic location: 3p13.
Variant type: single nucleotide variant.
Coding change: c.681C>T on transcript NM_001354604.2 (MANE Select); coding-DNA position 681, C replaced by T.
Protein change: p.Ile227=; no amino-acid change (isoleucine 227 retained).
Molecular consequence: synonymous variant.
Genome position (GRCh38, 1-based): chr3:69,941,250, C>T. VCF-style: chr3-69941250-C-T. GRCh37 (hg19) VCF-style: chr3-69990401-C-T.
Other names: c.360C>T, p.Ile120= (NM_000248.4, NM_198158.3); c.525C>T, p.Ile175= (NM_001184967.2, NM_001354608.2); c.678C>T, p.Ile226= (NM_001354605.2, NM_001354606.2, NM_006722.3); c.630C>T, p.Ile210= (NM_001354607.2); c.681C>T, p.Ile227= (NM_198159.3); c.633C>T, p.Ile211= (NM_198177.3); c.192C>T, p.Ile64= (NM_198178.3).
Identifiers: ClinVar variation 2005797 (VCV002005797.25), dbSNP rs199805128, ClinGen allele CA2490439.

ClinVar aggregate classification (germline): Likely benign. Review status: criteria provided, multiple submitters, no conflicts (2 of 4 stars). 3 submissions from 3 submitters: Likely benign (3). Last evaluated 2025-11-23.

Conditions:
Hereditary cancer-predisposing syndrome. Also called: Neoplastic Syndromes, Hereditary; Hereditary neoplastic syndrome; Hereditary Cancer Syndrome; Tumor predisposition. Identifiers: Orphanet 140162, MedGen C0027672, MeSH D009386, MONDO:0015356.
Waardenburg syndrome type 2A (WS2A). Also called: WAARDENBURG SYNDROME WITHOUT DYSTOPIA CANTHORUM. Identifiers: Orphanet 3440, MedGen C1860339, MONDO:0008671, OMIM 193510.
Tietz syndrome (TADS). Also called: TIETZ ALBINISM-DEAFNESS SYNDROME; ALBINISM-DEAFNESS OF TIETZ; HYPOPIGMENTATION/DEAFNESS OF TIETZ. Identifiers: Orphanet 42665, MedGen C0391816, MONDO:0007077, OMIM 103500.
Melanoma, cutaneous malignant, susceptibility to, 8. Also called: Cutaneous malignant melanoma 8; MELANOMA AND RENAL CELL CARCINOMA, SUSCEPTIBILITY TO. Identifiers: Orphanet 293822, MedGen C3152204, MONDO:0013759, OMIM 614456.

Allele frequency attached by ClinVar (database versions not stated): 1000 Genomes Project 30x 0.00016; 1000 Genomes Project 0.00020.
gnomAD v4.1: 20 of 1,609,964 alleles (0.0012%); highest among the groups gnomAD compares: African/African-American, 0.0027%; no homozygotes.

Submissions (3):

Labcorp Genetics (formerly Invitae), Labcorp
Classification: Likely benign for Melanoma, cutaneous malignant, susceptibility to, 8; Waardenburg syndrome type 2A; Tietz syndrome. Last evaluated: 2025-11-23. Review status: criteria provided, single submitter. Criteria: Invitae Variant Classification Sherloc (09022015). Collection method: clinical testing. Allele origin: germline.

Ambry Genetics
Classification: Likely benign for Hereditary cancer-predisposing syndrome. Last evaluated: 2024-11-23. Review status: criteria provided, single submitter. Criteria: Ambry Variant Classification Scheme 2023. Collection method: clinical testing. Allele origin: germline.

CeGaT Center for Human Genetics Tuebingen
Classification: Likely benign. Last evaluated: 2024-04-01. Review status: criteria provided, single submitter. Criteria: CeGaT Center For Human Genetics Tuebingen Variant Classification Criteria Version 2. Collection method: clinical testing. Allele origin: germline. Affected: yes. Observed: 1 variant allele.
Comment: MITF: BP4, BP7